The following is an entry in ClinVar:

ClinVar aggregate classification (germline): Uncertain significance. Review status: criteria provided, multiple submitters, no conflicts (2 of 4 stars). 3 submissions from 3 submitters: Uncertain significance (3). Last evaluated 2026-07-01.

Conditions:
Inborn genetic diseases. Identifiers: MedGen C0950123, MeSH D030342.
Infantile-onset ascending hereditary spastic paralysis (IAHSP). Also called: Autosomal Recessive Juvenile Amyotrophic Lateral Sclerosis; Infantile-Onset Ascending Hereditary Spastic Paralysis (IAHSP). Identifiers: Orphanet 293168, MedGen C2931441, MONDO:0011797, OMIM 607225. Disease mechanism: loss of function.

Allele frequency attached by ClinVar (database versions not stated): gnomAD 0.00001; gnomAD exomes 0.00001; TOPMed 0.00002.
gnomAD v4.1: 6 of 1,613,998 alleles (0.00037%); highest among the groups gnomAD compares: African/African-American, 0.004%; no homozygotes.

Submissions (3):

CeGaT Center for Human Genetics Tuebingen
Classification: Uncertain significance. Last evaluated: 2026-07-01. Review status: criteria provided, single submitter. Criteria: CeGaT Center For Human Genetics Tuebingen Variant Classification Criteria Version 2. Collection method: clinical testing. Allele origin: germline. Affected: yes. Observed: 1 variant allele.
Comment: ALS2: PM2

Ambry Genetics
Classification: Uncertain significance for Inborn genetic diseases. Last evaluated: 2022-10-12. Review status: criteria provided, single submitter. Criteria: Ambry Variant Classification Scheme 2023. Collection method: clinical testing. Allele origin: germline.

Labcorp Genetics (formerly Invitae), Labcorp
Classification: Uncertain significance for Infantile-onset ascending hereditary spastic paralysis. Last evaluated: 2021-12-12. Review status: criteria provided, single submitter. Criteria: Invitae Variant Classification Sherloc (09022015). Collection method: clinical testing. Allele origin: germline.
Comment: This variant is present in population databases (no rsID available, gnomAD 0.007%). In summary, the available evidence is currently insufficient to determine the role of this variant in disease. Therefore, it has been classified as a Variant of Uncertain Significance. Algorithms developed to predict the effect of missense changes on protein structure and function are either unavailable or do not agree on the potential impact of this missense change (SIFT: "Tolerated"; PolyPhen-2: "Probably Damaging"; Align-GVGD: "Class C0"). This variant has not been reported in the literature in individuals affected with ALS2-related conditions. This sequence change replaces proline, which is neutral and non-polar, with serine, which is neutral and polar, at codon 221 of the ALS2 protein (p.Pro221Ser).

NM_020919.4(ALS2):c.661C>T (p.Pro221Ser)

Gene: ALS2 (alsin Rho guanine nucleotide exchange factor ALS2; minus strand). Cytogenetic location: 2q33.1.
Variant type: single nucleotide variant.
Coding change: c.661C>T on transcript NM_020919.4 (MANE Select); coding-DNA position 661, C replaced by T.
Protein change: p.Pro221Ser; replaces proline 221 with serine.
Molecular consequence: missense variant.
Genome position (GRCh38, 1-based): chr2:201,761,333, G>A on the plus strand (C>T on the coding strand, the complement: ALS2 is on the minus strand). VCF-style: chr2-201761333-G-A. GRCh37 (hg19) VCF-style: chr2-202626056-G-A.
Other names: c.661C>T, p.Pro221Ser (NM_001135745.2, NM_001410975.1); short protein forms P221S.
Identifiers: ClinVar variation 1912801 (VCV001912801.6), dbSNP rs1038752763, ClinGen allele CA63971540.